The following is an entry in ClinVar:

ClinVar aggregate classification (germline): Likely benign (1 of 4 stars; one submission).

gnomAD v4.1: 3 of 1,562,216 alleles (0.00019%); highest among the groups gnomAD compares: Non-Finnish European, 0.000086%; no homozygotes.

Submission:

GeneDx
Classification: Likely benign. Last evaluated: 2023-11-16. Review status: criteria provided, single submitter. Criteria: GeneDx Variant Classification Process June 2021. Collection method: clinical testing. Allele origin: germline. Affected: yes.
Comment: See Variant Classification Assertion Criteria.

NM_019066.5(MAGEL2):c.2024C>T (p.Ala675Val)

Gene: MAGEL2 (MAGE family member L2; minus strand). Cytogenetic location: 15q11.2.
Variant type: single nucleotide variant.
Coding change: c.2024C>T on transcript NM_019066.5 (MANE Select); coding-DNA position 2024, C replaced by T.
Protein change: p.Ala675Val; replaces alanine 675 with valine.
Molecular consequence: missense variant.
Genome position (GRCh38, 1-based): chr15:23,645,719, G>A on the plus strand (C>T on the coding strand, the complement: MAGEL2 is on the minus strand). VCF-style: chr15-23645719-G-A. GRCh37 (hg19) VCF-style: chr15-23890866-G-A.
Other names: short protein forms A675V.
Identifiers: ClinVar variation 3342888 (VCV003342888.1).